The following is an entry in ClinVar:

NM_018196.4(TMLHE):c.359-2A>G

Gene: TMLHE (trimethyllysine hydroxylase, epsilon; minus strand). Cytogenetic location: Xq28.
Variant type: single nucleotide variant.
Coding change: c.359-2A>G on transcript NM_018196.4 (MANE Select); the canonical splice acceptor site of the intron before coding-DNA position 359, A replaced by G.
Molecular consequence: splice acceptor variant.
Genome position (GRCh38, 1-based): chrX:155,514,267, T>C on the plus strand (A>G on the coding strand, the complement: TMLHE is on the minus strand). VCF-style: chrX-155514267-T-C. GRCh37 (hg19) VCF-style: chrX-154743928-T-C.
Other names: c.359-2A>G (NM_001184797.2).
Identifiers: ClinVar variation 372796 (VCV000372796.7), dbSNP rs782792356, ClinGen allele CA10569542.

ClinVar aggregate classification (germline): Conflicting classifications of pathogenicity. Review status: criteria provided, conflicting classifications (1 of 4 stars). 3 submissions from 3 submitters: Pathogenic (1); Uncertain significance (2). Last evaluated 2023-09-08.

Conditions:
Epsilon-trimethyllysine hydroxylase deficiency. Also called: Autism, susceptibility to, X-linked 6. Identifiers: MedGen C3550875, MONDO:0010469, OMIM 300872.

Allele frequency attached by ClinVar (database versions not stated): gnomAD exomes 0.00001 and below 0.00001; TOPMed below 0.00001; ExAC 0.00001.
gnomAD v4.1: 3 of 1,186,937 alleles (0.00025%); highest among the groups gnomAD compares: Admixed American, 0.0024%; no homozygotes.

Submissions (4):

Revvity Omics, Revvity
Classification: Uncertain significance. Last evaluated: 2023-09-08. Review status: criteria provided, single submitter. Criteria: ACMG Guidelines, 2015. Collection method: clinical testing. Allele origin: germline.

Mendelics
Classification: Uncertain significance. Last evaluated: 2022-05-04. Review status: criteria provided, single submitter. Criteria: Mendelics Assertion Criteria 2019. Collection method: clinical testing. Allele origin: germline.

GeneDx
Classification: Pathogenic. Last evaluated: 2016-10-17. Review status: criteria provided, single submitter. Criteria: GeneDx Variant Classification (06012015). Collection method: clinical testing. Allele origin: germline. Affected: yes.
Comment: This splice site variant destroys the canonical splice acceptor site in intron 3. It is predicted to cause abnormal gene splicing, either leading to an abnormal message that is subject to nonsense-mediated mRNA decay, or to an abnormal protein product if the message is used for protein translation. The c.359-2A>G variant was not observed in approximately 6,500 individuals of European and African American ancestry in the NHLBI Exome Sequencing Project, indicating it is not a common benign variant in these populations. We interpret c.359-2A>G as a pathogenic variant.

Dr. Peter K. Rogan Lab, Western University
No classification provided (evidence only). Condition: Thyroid cancer, nonmedullary, 1. Review status: no classification provided. Collection method: in vitro. Allele origin: not applicable. Functional consequence: retained intron. Not counted in ClinVar's aggregate classification.